The following is an entry in ClinVar:

ClinVar aggregate classification (germline): Conflicting classifications of pathogenicity. Review status: criteria provided, conflicting classifications (1 of 4 stars). 6 submissions from 6 submitters: Uncertain significance (4); Likely benign (2). Last evaluated 2024-09-16.

Conditions:
Inborn genetic diseases. Identifiers: MedGen C0950123, MeSH D030342.
Vitamin D-dependent rickets type II with alopecia (VDDR2A). Also called: GENERALIZED RESISTANCE TO 1,25-DIHYDROXYVITAMIN D; HYPOCALCEMIC VITAMIN D-RESISTANT RICKETS; PDDR IIA; PSEUDOVITAMIN D-DEFICIENCY, TYPE IIA; RICKETS, HEREDITARY VITAMIN D-RESISTANT; RICKETS-ALOPECIA SYNDROME. Identifiers: Orphanet 93160, MedGen C0342646, MONDO:0010186, OMIM 277440.

Allele frequency attached by ClinVar (database versions not stated): gnomAD exomes 0.00013 and 0.00018; gnomAD 0.00014 and 0.00017; ExAC 0.00017; TOPMed 0.00017; ESP Exome Variant Server 0.00062.
gnomAD v4.1: 231 of 1,613,906 alleles (0.014%); highest among the groups gnomAD compares: Middle Eastern, 0.034%; no homozygotes.

Submissions (6):

Blueprint Genetics
Classification: Likely benign. Last evaluated: 2024-09-16. Review status: criteria provided, single submitter. Criteria: ACMG Guidelines, 2015. Collection method: clinical testing. Allele origin: germline.

Mayo Clinic Laboratories, Mayo Clinic
Classification: Uncertain significance. Last evaluated: 2024-02-20. Review status: criteria provided, single submitter. Criteria: ACMG Guidelines, 2015. Collection method: clinical testing. Allele origin: germline. Observed: 1 variant allele.
Comment: BP4_strong

Labcorp Genetics (formerly Invitae), Labcorp
Classification: Uncertain significance. Last evaluated: 2022-08-08. Review status: criteria provided, single submitter. Criteria: Invitae Variant Classification Sherloc (09022015). Collection method: clinical testing. Allele origin: germline.
Comment: This sequence change replaces valine, which is neutral and non-polar, with isoleucine, which is neutral and non-polar, at codon 297 of the VDR protein (p.Val297Ile). The frequency data for this variant in the population databases is considered unreliable, as metrics indicate poor data quality at this position in the gnomAD database. This variant has not been reported in the literature in individuals affected with VDR-related conditions. ClinVar contains an entry for this variant (Variation ID: 308882). Algorithms developed to predict the effect of missense changes on protein structure and function output the following: SIFT: "Tolerated"; PolyPhen-2: "Benign"; Align-GVGD: "Class C0". The isoleucine amino acid residue is found in multiple mammalian species, which suggests that this missense change does not adversely affect protein function. In summary, the available evidence is currently insufficient to determine the role of this variant in disease. Therefore, it has been classified as a Variant of Uncertain Significance.

Fulgent Genetics
Classification: Uncertain significance for Vitamin D-dependent rickets type II with alopecia. Last evaluated: 2022-03-18. Review status: criteria provided, single submitter. Criteria: ACMG Guidelines, 2015. Collection method: clinical testing. Allele origin: unknown.

Ambry Genetics
Classification: Likely benign for Inborn genetic diseases. Last evaluated: 2021-10-20. Review status: criteria provided, single submitter. Criteria: Ambry Variant Classification Scheme 2023. Collection method: clinical testing. Allele origin: germline.

Illumina Laboratory Services, Illumina
Classification: Uncertain significance for Vitamin D-dependent rickets type II with alopecia. Last evaluated: 2018-01-12. Review status: criteria provided, single submitter. Criteria: ICSL Variant Classification Criteria 13 December 2019. Collection method: clinical testing. Allele origin: germline.

Literature cited by the submitters: PubMed 32997713 (cited by Mayo Clinic Laboratories, Mayo Clinic).

NM_000376.3(VDR):c.889G>A (p.Val297Ile)

Gene: VDR (vitamin D receptor; minus strand). Cytogenetic location: 12q13.11.
Variant type: single nucleotide variant.
Coding change: c.889G>A on transcript NM_000376.3 (MANE Select); coding-DNA position 889, G replaced by A.
Protein change: p.Val297Ile; replaces valine 297 with isoleucine.
Molecular consequence: missense variant.
Genome position (GRCh38, 1-based): chr12:47,846,675, C>T on the plus strand (G>A on the coding strand, the complement: VDR is on the minus strand). VCF-style: chr12-47846675-C-T. GRCh37 (hg19) VCF-style: chr12-48240458-C-T.
Other names: p.Val297Ile; c.889G>A, p.Val297Ile (NM_001017535.2, NM_001364085.2, NM_001374661.1 and 1 more transcripts); c.1039G>A, p.Val347Ile (NM_001017536.2); short protein forms V297I, V347I.
Identifiers: ClinVar variation 308882 (VCV000308882.14), dbSNP rs144756403, ClinGen allele CA6533838.